The following is an entry in ClinVar:

ClinVar aggregate classification (germline): Uncertain significance (1 of 4 stars; one submission).

Submission:

GeneDx
Classification: Uncertain significance. Last evaluated: 2024-08-26. Review status: criteria provided, single submitter. Criteria: GeneDx Variant Classification Process June 2021. Collection method: clinical testing. Allele origin: germline. Affected: yes.
Comment: Not observed at significant frequency in large population cohorts (gnomAD); In silico analysis supports that this missense variant has a deleterious effect on protein structure/function; Has not been previously published as pathogenic or benign to our knowledge

NM_016604.4(KDM3B):c.5179C>T (p.His1727Tyr)

Gene: KDM3B (lysine demethylase 3B; plus strand). Cytogenetic location: 5q31.2.
Variant type: single nucleotide variant.
Coding change: c.5179C>T on transcript NM_016604.4 (MANE Select); coding-DNA position 5179, C replaced by T.
Protein change: p.His1727Tyr; replaces histidine 1727 with tyrosine.
Molecular consequence: missense variant.
Genome position (GRCh38, 1-based): chr5:138,431,533, C>T. VCF-style: chr5-138431533-C-T. GRCh37 (hg19) VCF-style: chr5-137767222-C-T.
Other names: short protein forms H1727Y.
Identifiers: ClinVar variation 3766299 (VCV003766299.1).